The following is an entry in ClinVar:

NM_005609.4(PYGM):c.526C>T (p.Gln176Ter)

Gene: PYGM (glycogen phosphorylase, muscle associated; minus strand). Cytogenetic location: 11q13.1.
Variant type: single nucleotide variant.
Coding change: c.526C>T on transcript NM_005609.4 (MANE Select); coding-DNA position 526, C replaced by T.
Protein change: p.Gln176Ter; replaces glutamine 176 with a stop codon.
Molecular consequence: nonsense.
Genome position (GRCh38, 1-based): chr11:64,758,248, G>A on the plus strand (C>T on the coding strand, the complement: PYGM is on the minus strand). VCF-style: chr11-64758248-G-A. GRCh37 (hg19) VCF-style: chr11-64525720-G-A.
Other names: c.262C>T, p.Gln88Ter (NM_001164716.1); short protein forms Q176*, Q88*.
Identifiers: ClinVar variation 5013006 (VCV005013006.1).

ClinVar aggregate classification (germline): Pathogenic (1 of 4 stars; one submission).

Conditions:
Glycogen storage disease, type V (GSD5). Also called: MCARDLE DISEASE; MUSCLE GLYCOGEN PHOSPHORYLASE DEFICIENCY; MYOPHOSPHORYLASE DEFICIENCY; PYGM DEFICIENCY; McArdle type glycogen storage disease. Identifiers: Orphanet 368, MedGen C0017924, MONDO:0009293, OMIM 232600.

Submission:

Myriad Genetics, Inc.
Classification: Pathogenic for Glycogen storage disease, type V. Last evaluated: 2024-05-14. Review status: criteria provided, single submitter. Criteria: Myriad Autosomal Dominant, Autosomal Recessive and X-Linked Classification Criteria (2023). Collection method: clinical testing. Allele origin: unknown.
Comment: NM_005609.2(PYGM):c.526C>T(Q176*) is expected to be pathogenic in the context of glycogen storage disease, PYGM-related. This variant is predicted to lead to an abnormal or absent protein product due to the creation of a premature termination codon in PYGM, a gene where loss-of-function variants are known to be pathogenic. Please note: this variant was assessed in the context of healthy population screening.